The following is an entry in ClinVar:

ClinVar aggregate classification (germline): Pathogenic (1 of 4 stars; one submission).

Conditions:
MHC class II deficiency. Also called: Bare lymphocyte syndrome 2; BLS, TYPE II. Identifiers: Orphanet 572, MedGen C5447452, MONDO:0008855.

Submission:

Labcorp Genetics (formerly Invitae), Labcorp
Classification: Pathogenic for MHC class II deficiency. Last evaluated: 2019-08-22. Review status: criteria provided, single submitter. Criteria: Invitae Variant Classification Sherloc (09022015). Collection method: clinical testing. Allele origin: germline.
Comment: This variant has not been reported in the literature in individuals with CIITA-related conditions. This variant is not present in population databases (ExAC no frequency). This sequence change creates a premature translational stop signal (p.Met210Ilefs*7) in the CIITA gene. It is expected to result in an absent or disrupted protein product. Loss-of-function variants in CIITA are known to be pathogenic (PMID: 8402893, 9099848, 26271388). For these reasons, this variant has been classified as Pathogenic.

Literature cited by the submitters: PubMed 8402893; PubMed 9099848; PubMed 26271388.

NM_000246.4(CIITA):c.630_633del (p.Met210fs)

Gene: CIITA (class II major histocompatibility complex transactivator; plus strand). Cytogenetic location: 16p13.13.
Variant type: Deletion.
Coding change: c.630_633del on transcript NM_000246.4 (MANE Select); coding-DNA positions 630 to 633, 4 bases deleted (GCCT; older notation c.630_633delGCCT).
Protein change: p.Met210fs; shifts the reading frame from methionine 210.
Molecular consequence: frameshift variant. On other transcripts: non-coding transcript variant (1).
Genome position (GRCh38, 1-based): chr16:10,902,659-10,902,662, GCCT deleted; deleting any 4 consecutive bases within chr16:10,902,658-10,902,662 gives the same sequence; the c. name uses the placement nearest the transcript's 3' end. VCF-style (leftmost placement, unchanged base first): chr16-10902657-GTGCC-G. GRCh37 (hg19) VCF-style: chr16-10996514-GTGCC-G.
Other names: c.633_636del, p.Met211fs (NM_001286402.1, NM_001379332.1); c.483_486del, p.Pro162fs (NM_001286403.2, NM_001379331.1); c.486_489del, p.Pro163fs (NM_001379330.1); c.630_633del, p.Met210fs (NM_001379333.1); c.561_564del, p.Met187fs (NM_001379334.1); short protein forms M210fs, M211fs, M187fs, P162fs, P163fs.
Identifiers: ClinVar variation 942820 (VCV000942820.7), dbSNP rs2038865240, ClinGen allele CA1139664526.